The following is an entry in ClinVar:

NM_156039.3(CSF3R):c.[1245delG];[948_963del16]

Variant type: CompoundHeterozygote.
Identifiers: ClinVar variation 427985 (VCV000427985.1).

ClinVar aggregate classification (germline): Pathogenic (1 of 4 stars; one submission).

Conditions:
Severe congenital neutropenia (SCN). Identifiers: Orphanet 42738, MedGen C1853118, MONDO:0018542.

Submission:

Klein lab, Ludwig-Maximilians-University
Classification: Pathogenic for Severe congenital neutropenia. Last evaluated: 2013-06-01. Review status: criteria provided, single submitter. Criteria: Submitter's publication. Collection method: in vitro. Allele origin: germline. Inheritance: Autosomal recessive inheritance. Affected: yes. Observed: 1 variant allele, 1 compound heterozygote.
Comment: Neutropenia that is unresponsive to recombinant human G-CSF treatment